The following is an entry in ClinVar:

NM_005215.4(DCC):c.354G>A (p.Glu118=)

Gene: DCC (DCC netrin 1 receptor; plus strand). Cytogenetic location: 18q21.2.
Variant type: single nucleotide variant.
Coding change: c.354G>A on transcript NM_005215.4 (MANE Select); coding-DNA position 354, G replaced by A.
Protein change: p.Glu118=; no amino-acid change (glutamic acid 118 retained).
Molecular consequence: synonymous variant.
Genome position (GRCh38, 1-based): chr18:52,752,316, G>A. VCF-style: chr18-52752316-G-A. GRCh37 (hg19) VCF-style: chr18-50278686-G-A.
Other names: c.354G>A (NM_005215.3).
Identifiers: ClinVar variation 1255455 (VCV001255455.7), dbSNP rs13381333, ClinGen allele CA8966509.

ClinVar aggregate classification (germline): Benign. Review status: criteria provided, multiple submitters, no conflicts (2 of 4 stars). 5 submissions from 4 submitters: Benign (4). 1 of the submissions does not count toward it. Last evaluated 2024-11-28.

Conditions:
DCC-related disorder. Also called: DCC-related condition.
Mirror movements 1 (MRMV1). Identifiers: Orphanet 238722, MedGen C1834870, OMIM 157600, MONDO:0008002.
Gaze palsy, familial horizontal, with progressive scoliosis, 2. Also called: GAZE PALSY, FAMILIAL HORIZONTAL, WITH PROGRESSIVE SCOLIOSIS 2, WITH IMPAIRED INTELLECTUAL DEVELOPMENT; DEVELOPMENTAL SPLIT-BRAIN SYNDROME. Identifiers: MedGen C4479640, MONDO:0054602, OMIM 617542.

Allele frequency attached by ClinVar (database versions not stated): gnomAD exomes 0.12761 and 0.10737; ESP Exome Variant Server 0.10887; 1000 Genomes Project 0.06769; 1000 Genomes Project 30x 0.06777; gnomAD 0.09851 and 0.09841; ExAC 0.10706; TOPMed 0.09787.
gnomAD v4.1: 201,669 of 1,613,824 alleles (12%); highest among the groups gnomAD compares: Middle Eastern, 22%; 13,958 homozygotes.

Submissions (5):

Blueprint Genetics
Classification: Benign. Last evaluated: 2024-11-28. Review status: criteria provided, single submitter. Criteria: ACMG Guidelines, 2015. Collection method: clinical testing. Allele origin: germline.

Genome-Nilou Lab
Classification: Benign for Gaze palsy, familial horizontal, with progressive scoliosis, 2. Last evaluated: 2021-07-30. Review status: criteria provided, single submitter. Criteria: ACMG Guidelines, 2015. Collection method: clinical testing. Allele origin: germline. Affected: no.

Genome-Nilou Lab
Classification: Benign for Mirror movements 1. Last evaluated: 2021-07-30. Review status: criteria provided, single submitter. Criteria: ACMG Guidelines, 2015. Collection method: clinical testing. Allele origin: germline. Affected: no.

Breakthrough Genomics
Classification: Benign. Review status: criteria provided, single submitter. Criteria: ACMG Guidelines, 2015. Collection method: not provided. Allele origin: germline. Inheritance: Autosomal recessive inheritance. Affected: yes.

PreventionGenetics, part of Exact Sciences
Classification: Benign for DCC-related condition. Last evaluated: 2019-11-19. Review status: no assertion criteria provided. Collection method: clinical testing. Allele origin: germline. Not counted in ClinVar's aggregate classification.
Comment: This variant is classified as benign based on ACMG/AMP sequence variant interpretation guidelines (Richards et al. 2015 PMID: 25741868, with internal and published modifications).